The following is an entry in ClinVar:

NM_022489.4(INF2):c.2440G>A (p.Asp814Asn)

Gene: INF2 (inverted formin 2; plus strand). Cytogenetic location: 14q32.33.
Variant type: single nucleotide variant.
Coding change: c.2440G>A on transcript NM_022489.4 (MANE Select); coding-DNA position 2440, G replaced by A.
Protein change: p.Asp814Asn; replaces aspartic acid 814 with asparagine.
Molecular consequence: missense variant.
Genome position (GRCh38, 1-based): chr14:104,711,650, G>A. VCF-style: chr14-104711650-G-A. GRCh37 (hg19) VCF-style: chr14-105177987-G-A.
Other names: c.2440G>A, p.Asp814Asn (NM_001031714.4); short protein forms D814N.
Identifiers: ClinVar variation 540036 (VCV000540036.19), dbSNP rs373532334, ClinGen allele CA7372939.
Genomic context (GRCh38, chr14:104,711,650, plus strand): 5'-ATGACCACAGTGGATCTCACTGGACGTGTCCCATTGCAGGAAGCGGAAAAGAGCCACCCC[G>A]ACCTCCTGCAGCTGCCCCGGGACCTGGAACAGCCCTCGCAAGCAGCAGGGTAGGTAGCTC-3'
Protein context (NP_071934.3, residues 804-824): VLEEAEKSHP[Asp814Asn]LLQLPRDLEQ

ClinVar aggregate classification (germline): Conflicting classifications of pathogenicity. Review status: criteria provided, conflicting classifications (1 of 4 stars). 5 submissions from 5 submitters: Uncertain significance (2); Likely benign (2). 1 of the submissions does not count toward it. Last evaluated 2025-07-14.

Conditions:
Focal segmental glomerulosclerosis 5 (FSGS5). Identifiers: Orphanet 656, MedGen C2750475, MONDO:0013191, OMIM 613237.
Charcot-Marie-Tooth disease dominant intermediate E. Also called: CHARCOT-MARIE-TOOTH NEUROPATHY WITH FOCAL SEGMENTAL GLOMERULONEPHRITIS. Identifiers: Orphanet 93114, MedGen C4302667, MONDO:0013758, OMIM 614455.
Inborn genetic diseases. Identifiers: MedGen C0950123, MeSH D030342.

Allele frequency attached by ClinVar (database versions not stated): ExAC 0.00004; gnomAD 0.00005; TOPMed 0.00005; gnomAD exomes 0.00006 and 0.00007; ESP Exome Variant Server 0.00008.
gnomAD v4.1: 111 of 1,612,362 alleles (0.0069%); highest among the groups gnomAD compares: Non-Finnish European, 0.0083%; no homozygotes.

Submissions (5):

Labcorp Genetics (formerly Invitae), Labcorp
Classification: Likely benign for Charcot-Marie-Tooth disease dominant intermediate E; Focal segmental glomerulosclerosis 5. Last evaluated: 2025-07-14. Review status: criteria provided, single submitter. Criteria: Invitae Variant Classification Sherloc (09022015). Collection method: clinical testing. Allele origin: germline.

GeneDx
Classification: Uncertain significance. Last evaluated: 2022-05-23. Review status: criteria provided, single submitter. Criteria: GeneDx Variant Classification Process June 2021. Collection method: clinical testing. Allele origin: germline. Affected: yes.
Comment: Reported in an individual with chronic kidney disease in published literature (Schrezenmeier et al., 2021); In silico analysis supports that this missense variant has a deleterious effect on protein structure/function; This variant is associated with the following publications: (PMID: 33712733)

Ambry Genetics
Classification: Likely benign for Inborn genetic diseases. Last evaluated: 2021-02-04. Review status: criteria provided, single submitter. Criteria: Ambry Variant Classification Scheme 2023. Collection method: clinical testing. Allele origin: germline.

Illumina Laboratory Services, Illumina
Classification: Uncertain significance for Focal segmental glomerulosclerosis 5. Last evaluated: 2018-01-13. Review status: criteria provided, single submitter. Criteria: ICSL Variant Classification Criteria 13 December 2019. Collection method: clinical testing. Allele origin: germline.

Bioscientia Institut fuer Medizinische Diagnostik GmbH, Sonic Healthcare
Classification: Uncertain significance for Focal segmental glomerulosclerosis 5. Last evaluated: 2018-11-02. Review status: no assertion criteria provided. Collection method: clinical testing. Allele origin: germline. Affected: yes. Not counted in ClinVar's aggregate classification.